The following is an entry in ClinVar:

NM_000297.4(PKD2):c.2398A>C (p.Met800Leu)

Gene: PKD2 (polycystin 2, transient receptor potential cation channel; plus strand). Cytogenetic location: 4q22.1.
Variant type: single nucleotide variant.
Coding change: c.2398A>C on transcript NM_000297.4 (MANE Select); coding-DNA position 2398, A replaced by C.
Protein change: p.Met800Leu; replaces methionine 800 with leucine.
Molecular consequence: missense variant. On other transcripts: non-coding transcript variant (1).
Genome position (GRCh38, 1-based): chr4:88,067,937, A>C. VCF-style: chr4-88067937-A-C. GRCh37 (hg19) VCF-style: chr4-88989089-A-C.
Other names: short protein forms M800L.
Identifiers: ClinVar variation 219985 (VCV000219985.58), dbSNP rs2234917, ClinGen allele CA348383.
Genomic context (GRCh38, chr4:88,067,937, plus strand): 5'-CAGTGACCCCTTGTTCTTCAGGAGGACCTGGATTTGGATCACAGTTCTTTACCACGTCCC[A>C]TGAGCAGCCGAAGTTTCCCTCGAAGCCTGGATGACTCTGAGGAGGATGACGATGAAGATA-3'
Protein context (NP_000288.1, residues 790-810): DLDHSSLPRP[Met800Leu]SSRSFPRSLD

ClinVar aggregate classification (germline): Conflicting classifications of pathogenicity. Review status: criteria provided, conflicting classifications (1 of 4 stars). 15 submissions from 15 submitters: Uncertain significance (1); Benign (8); Likely benign (2). 4 of the submissions do not count toward it. Last evaluated 2026-02-02.

Conditions:
Autosomal dominant polycystic kidney disease. Identifiers: Orphanet 730, MedGen C0085413, MONDO:0004691.
Polycystic kidney disease 2 (PKD2). Also called: POLYCYSTIC KIDNEY DISEASE, ADULT, TYPE II; POLYCYSTIC KIDNEY DISEASE 2 WITH OR WITHOUT POLYCYSTIC LIVER DISEASE; Polycystic Kidney Disease 2, Autosomal Dominant. Identifiers: MedGen C2751306, MONDO:0013131, OMIM 613095.
Polycystic kidney disease. Also called: Polycystic kidney dysplasia; Kidney, Polycystic. Identifiers: MedGen C0022680, MeSH D007690, MONDO:0020642, HP:0000113.
Joubert syndrome 7 (JBTS7). Identifiers: Orphanet 220497, MedGen C1969053, MONDO:0012694, OMIM 611560.

Allele frequency attached by ClinVar (database versions not stated): 1000 Genomes Project 0.00579; 1000 Genomes Project 30x 0.00625; ESP Exome Variant Server 0.00438; ExAC 0.00481; gnomAD 0.00481 and 0.00504; gnomAD exomes 0.00487; TOPMed 0.00536.
gnomAD v4.1: 5,403 of 1,614,092 alleles (0.33%); highest among the groups gnomAD compares: Middle Eastern, 2%; 38 homozygotes.

Submissions (15):

Labcorp Genetics (formerly Invitae), Labcorp
Classification: Benign for Autosomal dominant polycystic kidney disease. Last evaluated: 2026-02-02. Review status: criteria provided, single submitter. Criteria: Invitae Variant Classification Sherloc (09022015). Collection method: clinical testing. Allele origin: germline.

CeGaT Center for Human Genetics Tuebingen
Classification: Benign. Last evaluated: 2025-11-01. Review status: criteria provided, single submitter. Criteria: CeGaT Center For Human Genetics Tuebingen Variant Classification Criteria Version 2. Collection method: clinical testing. Allele origin: germline. Affected: yes. Observed: 8 variant alleles.
Comment: PKD2: BP4, BS1, BS2

Athena Diagnostics
Classification: Benign. Last evaluated: 2025-06-27. Review status: criteria provided, single submitter. Criteria: Athena Diagnostics Criteria. Collection method: clinical testing. Allele origin: unknown.
Comment: The frequency of this variant in the general population is higher than would generally be expected for pathogenic variants in this gene. Computational tools predict this amino acid change may be benign. This variant has been seen where an alternate explanation for disease was also identified.

Blueprint Genetics
Classification: Likely benign. Last evaluated: 2024-11-24. Review status: criteria provided, single submitter. Criteria: ACMG Guidelines, 2015. Collection method: clinical testing. Allele origin: germline.

Mayo Clinic Laboratories, Mayo Clinic
Classification: Benign. Last evaluated: 2024-06-14. Review status: criteria provided, single submitter. Criteria: ACMG Guidelines, 2015. Collection method: clinical testing. Allele origin: germline. Observed: 3 variant alleles.
Comment: BS1, BS2

ARUP Laboratories, Molecular Genetics and Genomics, ARUP Laboratories
Classification: Benign for Polycystic kidney disease 2. Last evaluated: 2020-02-27. Review status: criteria provided, single submitter. Criteria: ARUP Molecular Germline Variant Investigation Process. Collection method: clinical testing. Allele origin: germline.

GeneDx
Classification: Benign. Last evaluated: 2020-02-27. Review status: criteria provided, single submitter. Criteria: GeneDx Variant Classification Process June 2021. Collection method: clinical testing. Allele origin: germline. Affected: yes.
Comment: This variant is associated with the following publications: (PMID: 17574468, 11968093, 27884173, 27535533, 27894351, 19936001)

Molecular Genetics of Inherited Kidney Disorders Laboratory, Garvan Institute of Medical Research
Classification: Likely benign for Autosomal dominant polycystic kidney disease. Last evaluated: 2019-01-01. Review status: criteria provided, single submitter. Criteria: ACMG Guidelines, 2015. Collection method: research. Allele origin: germline. Affected: yes.

Illumina Laboratory Services, Illumina
Classification: Uncertain significance for Polycystic kidney disease 2. Last evaluated: 2017-04-27. Review status: criteria provided, single submitter. Criteria: ICSL Variant Classification Criteria 13 December 2019. Collection method: clinical testing. Allele origin: germline.

Broad Center for Mendelian Genomics, Broad Institute of MIT and Harvard
Classification: Benign for Joubert syndrome 7. Review status: criteria provided, single submitter. Criteria: ACMG Guidelines, 2015. Collection method: research. Allele origin: germline. Inheritance: Autosomal dominant inheritance. Affected: yes.
Comment: The heterozygous p.Met800Leu variant in PKD2 has been identified in 3 individuals with polycystic kidney disease, segregated with disease in 3 individuals from 1 family (PMID: 19936001), and has been identified in >1% of South Asian chromosomes and 4 homozygotes by ExAC. In summary, this variant meets criteria to be classified as benign for autosomal dominant polycystic kidney disease.

PreventionGenetics, part of Exact Sciences
Classification: Benign. Review status: criteria provided, single submitter. Criteria: ACMG Guidelines, 2015. Collection method: clinical testing. Allele origin: germline.

Genetic Services Laboratory, University of Chicago
Classification: Benign. Last evaluated: 2022-05-06. Review status: no assertion criteria provided. Collection method: clinical testing. Allele origin: germline. Affected: no. Not counted in ClinVar's aggregate classification.

Clinical Genetics DNA and cytogenetics Diagnostics Lab, Erasmus MC, Erasmus Medical Center
Classification: Benign. Review status: no assertion criteria provided. Collection method: clinical testing. Allele origin: germline. Affected: yes. Study: VKGL Data-share Consensus. Not counted in ClinVar's aggregate classification.

Department of Pathology and Laboratory Medicine, Sinai Health System
Classification: Benign for Polycystic Kidney disease. Review status: no assertion criteria provided. Collection method: clinical testing. Allele origin: unknown. Affected: yes. Study: The Canadian Open Genetics Repository (COGR). Not counted in ClinVar's aggregate classification.
Comment: The PKD2 p.Met800Leu variant was identified in 4 of 688 proband chromosomes (frequency: 0.006) from Spanish, Czech, American individuals or families with ADPKD (Gomez 2009, Reiterova 2002, Garcia-Gonzalez 2007, Rossetti 2012). Reiterova et al (2002) identified the variant in a family with a generally mild course of disease (ESRD not before 65 years), the variant did not segregate with disease and co-occurred with a PKD2 frameshift variant (1339-1345INSGCAACAG, frameshift 448-472X). In addition the variant was identified in a family with ADPKD and was considered a polymorphism as it did not segregate with disease (Garcia-Gonzalez 2007). The variant was also identified in dbSNP (ID: rs2234917) as â€šÃ„ÃºWith Benign alleleâ€šÃ„Ã¹, Clinvitae (classification benign), ClinVar (classification benign, submitters Invitae and Prevention Genetics), ADPKD Mutation Database (classification likely neutral); and was not in GeneInsight COGR, MutDB, PKD1-LOVD, and PKD1-LOVD 3.0. This variant was identified in the 1000 Genomes Project in 29 of 5000 chromosomes (frequency: 0.006), HAPMAP-SAS in 10 of 978 chromosomes (frequency: 0.01), HAPMAP-AFR in 12 of 1322 chromosomes (frequency: 0.009), HAPMAP-AMR in 4 of 694 chromosomes (frequency: 0.006), the NHLBI GO Exome Sequencing Project in 24 of 8600 European American (frequency: 0.0028) and in 24 of 8600 African American alleles (frequency: 0.0075), and in the Exome Aggregation Consortium database (August 8th 2016) in 583 (4 homozygous) of 121146 chromosomes (freq. 0.005) in the following populations: South Asian in 193 of 16502 chromosomes (freq. 01), African in 86 of 10404 chromosomes (freq. 0.008), Other in 5 of 902 chromosomes (freq. 0.006), European (Non-Finnish) in 264 of 66630 chromosomes (freq. 004), and Latino in 29 of 11528 chromosomes (freq. 0.003), EFinnish in 6 of 6602 chromosomes (frequency: 0.0009), but was not seen in East Asian population, increasing the likelihood this could be a low frequency benign variant; however, we cannot be certain that data from control databases is specific to PKD1 and not from one of the six PKD1 pseudogenes. The p.Met800 residue is not conserved in mammals and and the variant amino acid Leucine is present in dog and chicken, increasing the likelihood that this variant does not have clinical significance. Computational analyses (PolyPhen-2, SIFT, AlignGVGD, BLOSUM, MutationTaster) do not suggest a high likelihood of impact to the protein; however, this information is not predictive enough to rule out pathogenicity. The variant occurs outside of the splicing consensus sequence and 1 of 5 in silico or computational prediction software programs (SpliceSiteFinder, MaxEntScan, NNSPLICE, GeneSplicer, HumanSpliceFinder) predict a greater than 10% difference in splicing; this is not very predictive of pathogenicity. In summary, based on the above information, this variant meets our laboratory criteria to be classified as benign.

Genome Diagnostics Laboratory, University Medical Center Utrecht
Classification: Benign. Review status: no assertion criteria provided. Collection method: clinical testing. Allele origin: germline. Affected: yes. Study: VKGL Data-share Consensus. Not counted in ClinVar's aggregate classification.

Literature cited by the submitters: PubMed 19936001 (cited by Athena Diagnostics and Broad Center for Mendelian Genomics, Broad Institute of MIT and Harvard); PubMed 27884173 (cited by Athena Diagnostics); PubMed 27535533 (cited by Athena Diagnostics); PubMed 11968093 (cited by Athena Diagnostics); PubMed 27894351 (cited by Athena Diagnostics).